The following is an entry in ClinVar:

ClinVar aggregate classification (germline): Pathogenic (1 of 4 stars; one submission).

Conditions:
Severe X-linked myotubular myopathy (CNMX). Also called: X-linked centronuclear myopathy; MYOTUBULAR MYOPATHY 1; Myotubular myopathy, X-linked. Identifiers: Orphanet 596, MedGen C0410203, MONDO:0010683, OMIM 310400.

Submission:

Myriad Genetics, Inc.
Classification: Pathogenic for Severe X-linked myotubular myopathy. Last evaluated: 2023-08-13. Review status: criteria provided, single submitter. Criteria: Myriad Autosomal Dominant, Autosomal Recessive and X-Linked Classification Criteria (2023). Collection method: clinical testing. Allele origin: unknown.
Comment: NM_000252.2(MTM1):c.958delT(S320Lfs*2) is expected to be pathogenic in the context of X-linked myotubular myopathy. This variant is predicted to lead to an abnormal or absent protein product due to the creation of a premature termination codon in MTM1, a gene where loss-of-function variants are known to be pathogenic. Please note: this variant was assessed in the context of healthy population screening.

NM_000252.3(MTM1):c.958del (p.Ser320fs)

Gene: MTM1 (myotubularin 1; plus strand). Cytogenetic location: Xq28.
Variant type: Deletion.
Coding change: c.958del on transcript NM_000252.3 (MANE Select); coding-DNA position 958, one base deleted (T; older notation c.958delT).
Protein change: p.Ser320fs; shifts the reading frame from serine 320.
Molecular consequence: frameshift variant.
Genome position (GRCh38, 1-based): chrX:150,649,806, T deleted. VCF-style (leftmost placement, unchanged base first): chrX-150649805-AT-A. GRCh37 (hg19) VCF-style: chrX-149818278-AT-A.
Other names: c.958del, p.Ser320fs (NM_001376906.1, NM_001376908.1); c.847del, p.Ser283fs (NM_001376907.1); short protein forms S283fs, S320fs.
Identifiers: ClinVar variation 5011335 (VCV005011335.1).